The following is an entry in ClinVar:

ClinVar aggregate classification (germline): Uncertain significance (1 of 4 stars; one submission).

Conditions:
Senior-Loken syndrome 8 (SLSN8). Identifiers: Orphanet 3156, MedGen C4225376, MONDO:0014579, OMIM 616307.
Asphyxiating thoracic dystrophy 5 (SRTD5). Also called: SHORT-RIB THORACIC DYSPLASIA 5 WITH OR WITHOUT POLYDACTYLY; SHORT-RIB THORACIC DYSPLASIA 5 WITHOUT POLYDACTYLY. Identifiers: Orphanet 474, MedGen C3280598, MONDO:0013717, OMIM 614376.

gnomAD v4.1: 1 of 1,613,222 alleles (0.000062%); highest among the groups gnomAD compares: Non-Finnish European, 0.000085%; no homozygotes.

Submission:

Labcorp Genetics (formerly Invitae), Labcorp
Classification: Uncertain significance for Senior-Loken syndrome 8; Asphyxiating thoracic dystrophy 5. Last evaluated: 2025-03-17. Review status: criteria provided, single submitter. Criteria: Invitae Variant Classification Sherloc (09022015). Collection method: clinical testing. Allele origin: germline.
Comment: This sequence change replaces phenylalanine, which is neutral and non-polar, with leucine, which is neutral and non-polar, at codon 111 of the WDR19 protein (p.Phe111Leu). This variant is present in population databases (no rsID available, gnomAD 0.0009%). This variant has not been reported in the literature in individuals affected with WDR19-related conditions. ClinVar contains an entry for this variant (Variation ID: 937818). Invitae Evidence Modeling of protein sequence and biophysical properties (such as structural, functional, and spatial information, amino acid conservation, physicochemical variation, residue mobility, and thermodynamic stability) indicates that this missense variant is not expected to disrupt WDR19 protein function with a negative predictive value of 80%. In summary, the available evidence is currently insufficient to determine the role of this variant in disease. Therefore, it has been classified as a Variant of Uncertain Significance.

NM_025132.4(WDR19):c.333C>A (p.Phe111Leu)

Gene: WDR19 (WD repeat domain 19; plus strand). Cytogenetic location: 4p14.
Variant type: single nucleotide variant.
Coding change: c.333C>A on transcript NM_025132.4 (MANE Select); coding-DNA position 333, C replaced by A.
Protein change: p.Phe111Leu; replaces phenylalanine 111 with leucine.
Molecular consequence: missense variant. On other transcripts: intron variant (1).
Genome position (GRCh38, 1-based): chr4:39,194,586, C>A. VCF-style: chr4-39194586-C-A. GRCh37 (hg19) VCF-style: chr4-39196206-C-A.
Other names: c.-75+4805C>A (NM_001317924.2); short protein forms F111L.
Identifiers: ClinVar variation 937818 (VCV000937818.8), dbSNP rs755327576, ClinGen allele CA356631743.
Genomic context (GRCh38, chr4:39,194,586, plus strand): 5'-TATATCTTAATGTTACAGGGATCAAATGTCTTTCCTTCTTTGGTCAAAAGTTGGAAGTTT[C>A]CTGGCTGTTGGAACTGTTAAAGGAAATTTGCTTATTTATAATCATCAGACATCTCGAAAG-3'
Protein context (NP_079408.3, residues 101-121): SFLLWSKVGS[Phe111Leu]LAVGTVKGNL